The following is an entry in ClinVar:

ClinVar aggregate classification (germline): Uncertain significance (1 of 4 stars; one submission).

Conditions:
Cardiovascular phenotype. Identifiers: MedGen CN230736.

Submission:

Ambry Genetics
Classification: Uncertain significance for Cardiovascular phenotype. Last evaluated: 2026-04-30. Review status: criteria provided, single submitter. Criteria: Ambry Variant Classification Scheme 2023. Collection method: clinical testing. Allele origin: germline.
Comment: The p.S626L variant (also known as c.1877C>T), located in coding exon 11 of the CBL gene, results from a C to T substitution at nucleotide position 1877. The serine at codon 626 is replaced by leucine, an amino acid with dissimilar properties. This amino acid position is conserved. In addition, the in silico prediction for this alteration is inconclusive. Based on the available evidence, the clinical significance of this variant remains unclear.

NM_005188.4(CBL):c.1877C>T (p.Ser626Leu)

Gene: CBL (Cbl proto-oncogene; plus strand). Cytogenetic location: 11q23.3.
Variant type: single nucleotide variant.
Coding change: c.1877C>T on transcript NM_005188.4 (MANE Select); coding-DNA position 1877, C replaced by T.
Protein change: p.Ser626Leu; replaces serine 626 with leucine.
Molecular consequence: missense variant.
Genome position (GRCh38, 1-based): chr11:119,285,502, C>T. VCF-style: chr11-119285502-C-T. GRCh37 (hg19) VCF-style: chr11-119156212-C-T.
Other names: short protein forms S626L.
Identifiers: ClinVar variation 4868243 (VCV004868243.1).